The following is an entry in ClinVar:

NM_000092.5(COL4A4):c.703G>A (p.Gly235Ser)

Gene: COL4A4 (collagen type IV alpha 4 chain; minus strand). Cytogenetic location: 2q36.3.
Variant type: single nucleotide variant.
Coding change: c.703G>A on transcript NM_000092.5 (MANE Select); coding-DNA position 703, G replaced by A.
Protein change: p.Gly235Ser; replaces glycine 235 with serine.
Molecular consequence: missense variant.
Genome position (GRCh38, 1-based): chr2:227,108,613, C>T on the plus strand (G>A on the coding strand, the complement: COL4A4 is on the minus strand). VCF-style: chr2-227108613-C-T. GRCh37 (hg19) VCF-style: chr2-227973329-C-T.
Other names: short protein forms G235S.
Identifiers: ClinVar variation 3371263 (VCV003371263.2).

ClinVar aggregate classification (germline): Uncertain significance. Review status: criteria provided, multiple submitters, no conflicts (2 of 4 stars). 2 submissions from 2 submitters: Uncertain significance (2). Last evaluated 2024-03-26.

Conditions:
Autosomal recessive Alport syndrome (ATS2). Also called: COL4A3-Related Nephropathy; COL4A4 Alport Syndrome and Thin Basement Membrane Nephropathy; ALPORT SYNDROME 2, AUTOSOMAL RECESSIVE; Alport syndrome type 2. Identifiers: Orphanet 63, Orphanet 88919, MedGen C4746745, MONDO:0008762, OMIM 203780.
Hematuria, benign familial, 1 (BFH1). Also called: THIN MEMBRANE NEPHROPATHY. Identifiers: MedGen CN376803, MONDO:0007709, OMIM 141200.

gnomAD v4.1: 42 of 1,613,854 alleles (0.0026%); highest among the groups gnomAD compares: East Asian, 0.0067%; no homozygotes.

Submissions (2):

GeneDx
Classification: Uncertain significance. Last evaluated: 2024-03-26. Review status: criteria provided, single submitter. Criteria: GeneDx Variant Classification Process June 2021. Collection method: clinical testing. Allele origin: germline. Affected: yes.
Comment: Reported as a de novo variant in a patient who also had multiple de novo variants in other genes from a large cohort of individuals with autism specturm disorders (PMID: 35982159); Affects a glycine residue in a Gly-X-Y motif in the triple helical region of the COL4A4 gene; In silico analysis supports that this missense variant has a deleterious effect on protein structure/function; This variant is associated with the following publications: (PMID: 35982159)

Fulgent Genetics
Classification: Uncertain significance for Hematuria, benign familial, 1; Autosomal recessive Alport syndrome. Last evaluated: 2024-02-14. Review status: criteria provided, single submitter. Criteria: ACMG Guidelines, 2015. Collection method: clinical testing. Allele origin: germline.